The following is an entry in ClinVar:

NM_001170700.3(DTHD1):c.2184C>T (p.Asp728=)

Gene: DTHD1 (death domain containing 1; plus strand). Cytogenetic location: 4p14.
Variant type: single nucleotide variant.
Coding change: c.2184C>T on transcript NM_001170700.3 (MANE Select); coding-DNA position 2184, C replaced by T.
Protein change: p.Asp728=; no amino-acid change (aspartic acid 728 retained).
Molecular consequence: synonymous variant. On other transcripts: non-coding transcript variant (2).
Genome position (GRCh38, 1-based): chr4:36,316,330, C>T. VCF-style: chr4-36316330-C-T. GRCh37 (hg19) VCF-style: chr4-36317952-C-T.
Other names: c.1314C>T (NM_001136536.4); c.1314C>T, p.Asp438= (NM_001136536.5); c.1251C>T, p.Asp417= (NM_001378435.1).
Identifiers: ClinVar variation 1159104 (VCV001159104.12), dbSNP rs377400926, ClinGen allele CA2885715.

ClinVar aggregate classification (germline): Likely benign. Review status: criteria provided, multiple submitters, no conflicts (2 of 4 stars). 3 submissions from 3 submitters: Likely benign (2). 1 of the submissions does not count toward it. Last evaluated 2026-01-06.

Conditions:
DTHD1-related disorder. Also called: DTHD1-related condition.

Allele frequency attached by ClinVar (database versions not stated): gnomAD exomes 0.00004 and 0.00006; TOPMed 0.00006; gnomAD 0.00007 and 0.00008; ExAC 0.00009; ESP Exome Variant Server 0.00022.

Submissions (3):

Labcorp Genetics (formerly Invitae), Labcorp
Classification: Likely benign. Last evaluated: 2026-01-06. Review status: criteria provided, single submitter. Criteria: Invitae Variant Classification Sherloc (09022015). Collection method: clinical testing. Allele origin: germline.

Blueprint Genetics
Classification: Likely benign. Last evaluated: 2024-10-03. Review status: criteria provided, single submitter. Criteria: ACMG Guidelines, 2015. Collection method: clinical testing. Allele origin: germline.

PreventionGenetics, part of Exact Sciences
Classification: Likely benign for DTHD1-related condition. Last evaluated: 2019-09-17. Review status: no assertion criteria provided. Collection method: clinical testing. Allele origin: germline. Not counted in ClinVar's aggregate classification.
Comment: This variant is classified as likely benign based on ACMG/AMP sequence variant interpretation guidelines (Richards et al. 2015 PMID: 25741868, with internal and published modifications).